The following is an entry in ClinVar:

NM_005219.5(DIAPH1):c.1513A>T (p.Met505Leu)

Gene: DIAPH1 (diaphanous related formin 1; minus strand). Cytogenetic location: 5q31.3.
Variant type: single nucleotide variant.
Coding change: c.1513A>T on transcript NM_005219.5 (MANE Select); coding-DNA position 1513, A replaced by T.
Protein change: p.Met505Leu; replaces methionine 505 with leucine.
Molecular consequence: missense variant.
Genome position (GRCh38, 1-based): chr5:141,575,095, T>A on the plus strand (A>T on the coding strand, the complement: DIAPH1 is on the minus strand). VCF-style: chr5-141575095-T-A. GRCh37 (hg19) VCF-style: chr5-140954662-T-A.
Other names: c.1486A>T, p.Met496Leu (NM_001079812.3); c.1513A>T, p.Met505Leu (NM_001314007.2); short protein forms M496L, M505L.
Identifiers: ClinVar variation 1904149 (VCV001904149.5), dbSNP rs2513745923, ClinGen allele CA361524128.

ClinVar aggregate classification (germline): Uncertain significance (1 of 4 stars; one submission).

Conditions:
Autosomal dominant nonsyndromic hearing loss 1. Also called: KONIGSMARK SYNDROME; DEAFNESS, AUTOSOMAL DOMINANT 1, WITH OR WITHOUT THROMBOCYTOPENIA. Identifiers: Orphanet 90635, MedGen C1852282, MONDO:0007424, OMIM 124900.
Progressive microcephaly-seizures-cortical blindness-developmental delay syndrome. Also called: Seizures, cortical blindness, and microcephaly syndrome. Identifiers: Orphanet 477814, MedGen C5567650, MONDO:0014714, OMIM 616632.

Submission:

Labcorp Genetics (formerly Invitae), Labcorp
Classification: Uncertain significance for Progressive microcephaly-seizures-cortical blindness-developmental delay syndrome; Autosomal dominant nonsyndromic hearing loss 1. Last evaluated: 2022-09-14. Review status: criteria provided, single submitter. Criteria: Invitae Variant Classification Sherloc (09022015). Collection method: clinical testing. Allele origin: germline.
Comment: In summary, the available evidence is currently insufficient to determine the role of this variant in disease. Therefore, it has been classified as a Variant of Uncertain Significance. Algorithms developed to predict the effect of missense changes on protein structure and function output the following: SIFT: "Tolerated"; PolyPhen-2: "Not Available"; Align-GVGD: "Class C0". The leucine amino acid residue is found in multiple mammalian species, which suggests that this missense change does not adversely affect protein function. This variant has not been reported in the literature in individuals affected with DIAPH1-related conditions. This variant is not present in population databases (gnomAD no frequency). This sequence change replaces methionine, which is neutral and non-polar, with leucine, which is neutral and non-polar, at codon 505 of the DIAPH1 protein (p.Met505Leu).